The following is an entry in ClinVar:

ClinVar aggregate classification (germline): Uncertain significance. Review status: criteria provided, multiple submitters, no conflicts (2 of 4 stars). 2 submissions from 2 submitters: Uncertain significance (2). Last evaluated 2026-02-19.

Conditions:
Inborn genetic diseases. Identifiers: MedGen C0950123, MeSH D030342.

gnomAD v4.1: 15 of 1,613,934 alleles (0.00093%); highest among the groups gnomAD compares: Non-Finnish European, 0.0013%; no homozygotes.

Submissions (2):

GeneDx
Classification: Uncertain significance. Last evaluated: 2026-02-19. Review status: criteria provided, single submitter. Criteria: GeneDx Variant Classification Process June 2021. Collection method: clinical testing. Allele origin: germline.
Comment: Not observed at significant frequency in large population cohorts (gnomAD); In silico analysis supports that this missense variant has a deleterious effect on protein structure/function; Has not been previously published as pathogenic or benign to our knowledge

Ambry Genetics
Classification: Uncertain significance for Inborn genetic diseases. Last evaluated: 2023-09-29. Review status: criteria provided, single submitter. Criteria: Ambry Variant Classification Scheme 2023. Collection method: clinical testing. Allele origin: germline.

NM_004341.5(CAD):c.1486C>G (p.Arg496Gly)

Gene: CAD (carbamoyl-phosphate synthetase 2, aspartate transcarbamylase, and dihydroorotase; plus strand). Cytogenetic location: 2p23.3.
Variant type: single nucleotide variant.
Coding change: c.1486C>G on transcript NM_004341.5 (MANE Select); coding-DNA position 1486, C replaced by G.
Protein change: p.Arg496Gly; replaces arginine 496 with glycine.
Molecular consequence: missense variant.
Genome position (GRCh38, 1-based): chr2:27,225,109, C>G. VCF-style: chr2-27225109-C-G. GRCh37 (hg19) VCF-style: chr2-27447977-C-G.
Other names: c.1486C>G, p.Arg496Gly (NM_001306079.2); short protein forms R496G.
Identifiers: ClinVar variation 3136564 (VCV003136564.2), dbSNP rs200964128, ClinGen allele CA1572733.